The following is an entry in ClinVar:

NM_024665.7(TBL1XR1):c.1122+3A>T

Genes: TBL1XR1 (TBL1X/Y related 1; minus strand), TBL1XR1-AS1 (TBL1XR1 antisense RNA 1; plus strand), LOC126806878 (CDK7 strongly-dependent group 2 enhancer GRCh37_chr3:176755168-176756367; plus strand). Cytogenetic location: 3q26.32.
Variant type: single nucleotide variant.
Coding change: c.1122+3A>T on transcript NM_024665.7 (MANE Select); 3 bases into the intron after coding-DNA position 1122, A replaced by T.
Molecular consequence: intron variant.
Genome position (GRCh38, 1-based): chr3:177,038,095, T>A on the plus strand (A>T on the coding strand, the complement: TBL1XR1 is on the minus strand). VCF-style: chr3-177038095-T-A. GRCh37 (hg19) VCF-style: chr3-176755883-T-A.
Other names: c.1122+3A>T (NM_001374327.1, NM_001321194.3, NM_001321193.3 and 2 more transcripts); c.861+3A>T (NM_001374330.1, NM_001321195.3).
Identifiers: ClinVar variation 489289 (VCV000489289.2), dbSNP rs1553810147, ClinGen allele CA658683372.
Genomic context (GRCh38, chr3:177,038,095, plus strand): 5'-AATGGCCAGAGCAACCATACTGTGTGACACCGCCAACCCATTTCTCCCTACTAAGCAAAT[T>A]ACCTTTAAAGTCATGTCGTCAGAACAGGAGGCCAAGAGATTGCCAGTTGGGTCCCATTTG-3'

ClinVar aggregate classification (germline): Uncertain significance (1 of 4 stars; one submission).

Submission:

GeneDx
Classification: Uncertain significance. Last evaluated: 2018-01-02. Review status: criteria provided, single submitter. Criteria: GeneDx Variant Classification (06012015). Collection method: clinical testing. Allele origin: germline. Affected: yes.
Comment: The c.1122+3A>T variant in the TBL1XR1 gene has not been reported previously as a pathogenic variant nor as a benign variant, to our knowledge. This variant is predicted to destroy the canonical splice donor site in intron 12, and may cause abnormal gene splicing. However, in the absence of RNA/functional studies, the actual effect of the c.1122+3A>T variant is unknown. The c.1122+3A>T variant is not observed in large population cohorts (Lek et al., 2016). We interpret c.1122+3A>T as a variant of uncertain significance.